The following is an entry in ClinVar:

ClinVar aggregate classification (germline): Uncertain significance (1 of 4 stars; one submission).

Conditions:
Niemann-Pick disease, type C1. Also called: NIEMANN-PICK DISEASE, VARIANT TYPE C1; NIEMANN-PICK DISEASE WITHOUT SPHINGOMYELINASE DEFICIENCY; NEUROVISCERAL STORAGE DISEASE WITH VERTICAL SUPRANUCLEAR OPHTHALMOPLEGIA; NIEMANN-PICK DISEASE WITH CHOLESTEROL ESTERIFICATION BLOCK; NIEMANN-PICK DISEASE, CHRONIC NEURONOPATHIC FORM. Identifiers: Orphanet 646, MedGen C3179455, MONDO:0009757, OMIM 257220.

Allele frequency attached by ClinVar (database versions not stated): gnomAD exomes below 0.00001; TOPMed below 0.00001.
gnomAD v4.1: 1 of 1,533,992 alleles (0.000065%); highest among the groups gnomAD compares: African/African-American, 0.0014%; no homozygotes.

Submission:

Labcorp Genetics (formerly Invitae), Labcorp
Classification: Uncertain significance for Niemann-Pick disease, type C1. Last evaluated: 2022-05-09. Review status: criteria provided, single submitter. Criteria: Invitae Variant Classification Sherloc (09022015). Collection method: clinical testing. Allele origin: germline.
Comment: In summary, the available evidence is currently insufficient to determine the role of this variant in disease. Therefore, it has been classified as a Variant of Uncertain Significance. Advanced modeling of protein sequence and biophysical properties (such as structural, functional, and spatial information, amino acid conservation, physicochemical variation, residue mobility, and thermodynamic stability) performed at Invitae indicates that this missense variant is not expected to disrupt NPC1 protein function. This variant has not been reported in the literature in individuals affected with NPC1-related conditions. This variant is not present in population databases (gnomAD no frequency). This sequence change replaces alanine, which is neutral and non-polar, with valine, which is neutral and non-polar, at codon 3 of the NPC1 protein (p.Ala3Val).

NM_000271.5(NPC1):c.8C>T (p.Ala3Val)

Gene: NPC1 (NPC intracellular cholesterol transporter 1; minus strand). Cytogenetic location: 18q11.2.
Variant type: single nucleotide variant.
Coding change: c.8C>T on transcript NM_000271.5 (MANE Select); coding-DNA position 8, C replaced by T.
Protein change: p.Ala3Val; replaces alanine 3 with valine.
Molecular consequence: missense variant.
Genome position (GRCh38, 1-based): chr18:23,586,336, G>A on the plus strand (C>T on the coding strand, the complement: NPC1 is on the minus strand). VCF-style: chr18-23586336-G-A. GRCh37 (hg19) VCF-style: chr18-21166300-G-A.
Other names: short protein forms A3V.
Identifiers: ClinVar variation 2133549 (VCV002133549.4), dbSNP rs1321449179, ClinGen allele CA402041553.